The following is an entry in ClinVar:

ClinVar aggregate classification (germline): Likely benign. Review status: criteria provided, multiple submitters, no conflicts (2 of 4 stars). 2 submissions from 2 submitters: Likely benign (2). Last evaluated 2019-06-03.

Conditions:
Cardiovascular phenotype. Identifiers: MedGen CN230736.

Allele frequency attached by ClinVar (database versions not stated): gnomAD exomes below 0.00001.
gnomAD v4.1: 1 of 1,609,600 alleles (0.000062%); highest among the groups gnomAD compares: Non-Finnish European, 0.000085%; no homozygotes.

Submissions (2):

Ambry Genetics
Classification: Likely benign for Cardiovascular phenotype. Last evaluated: 2019-06-03. Review status: criteria provided, single submitter. Criteria: Ambry Variant Classification Scheme 2023. Collection method: clinical testing. Allele origin: germline.

GeneDx
Classification: Likely benign. Last evaluated: 2017-09-06. Review status: criteria provided, single submitter. Criteria: GeneDx Variant Classification (06012015). Collection method: clinical testing. Allele origin: germline. Affected: yes.
Comment: This variant is considered likely benign or benign based on one or more of the following criteria: it is a conservative change, it occurs at a poorly conserved position in the protein, it is predicted to be benign by multiple in silico algorithms, and/or has population frequency not consistent with disease.

NM_001267550.2(TTN):c.55380A>G (p.Thr18460=)

Genes: TTN (titin; minus strand), TTN-AS1 (TTN antisense RNA 1; plus strand). Cytogenetic location: 2q31.2.
Variant type: single nucleotide variant.
Coding change: c.55380A>G on transcript NM_001267550.2 (MANE Select); coding-DNA position 55380, A replaced by G.
Protein change: p.Thr18460=; no amino-acid change (threonine 18460 retained).
Molecular consequence: synonymous variant.
Genome position (GRCh38, 1-based): chr2:178,601,710, T>C on the plus strand (A>G on the coding strand, the complement: TTN is on the minus strand). VCF-style: chr2-178601710-T-C. GRCh37 (hg19) VCF-style: chr2-179466437-T-C.
Other names: c.50457A>G, p.Thr16819= (NM_001256850.1); c.28185A>G, p.Thr9395= (NM_003319.4); c.47676A>G, p.Thr15892= (NM_133378.4); c.28560A>G, p.Thr9520= (NM_133432.3); c.28761A>G, p.Thr9587= (NM_133437.4).
Identifiers: ClinVar variation 511993 (VCV000511993.3), dbSNP rs1553673472, ClinGen allele CA430269032.
Genomic context (GRCh38, chr2:178,601,710, plus strand): 5'-TTTCTTACCCATGACTTTAACTCTGCAATTTGCAGTCTTTTGTCCTGCTTTATTCTTGGC[T>C]GTGATGCTGTATTTGCCTGTATGAGATCGTTTACACTCCGGAATAATAATTACTGAGGAG-3'
Protein context (NP_001254479.2, residues 18450-18470): KRSHTGKYSI[Thr18460=]AKNKAGQKTA